The following is an entry in ClinVar:

ClinVar aggregate classification (germline): Uncertain significance (1 of 4 stars; one submission).

Conditions:
Autosomal dominant childhood-onset proximal spinal muscular atrophy with contractures (SMALED2A). Also called: Spinal muscular atrophy, lower extremity-predominant, 2A, autosomal dominant; SPINAL MUSCULAR ATROPHY, LOWER EXTREMITY-PREDOMINANT, 2A, CHILDHOOD ONSET, AUTOSOMAL DOMINANT. Identifiers: Orphanet 363447, Orphanet 363454, MedGen C4747715, MONDO:0014121, OMIM 615290.

Allele frequency attached by ClinVar (database versions not stated): gnomAD exomes below 0.00001.
gnomAD v4.1: 3 of 1,612,092 alleles (0.00019%); highest among the groups gnomAD compares: Non-Finnish European, 0.00025%; no homozygotes.

Submission:

Labcorp Genetics (formerly Invitae), Labcorp
Classification: Uncertain significance for Autosomal dominant childhood-onset proximal spinal muscular atrophy with contractures. Last evaluated: 2018-05-22. Review status: criteria provided, single submitter. Criteria: Invitae Variant Classification Sherloc (09022015). Collection method: clinical testing. Allele origin: germline.
Comment: This sequence change replaces asparagine with serine at codon 546 of the BICD2 protein (p.Asn546Ser). The asparagine residue is moderately conserved and there is a small physicochemical difference between asparagine and serine. This variant is not present in population databases (ExAC no frequency). This variant has not been reported in the literature in individuals with BICD2-related disease. Algorithms developed to predict the effect of missense changes on protein structure and function are either unavailable or do not agree on the potential impact of this missense change (SIFT: "Tolerated"; PolyPhen-2: "Probably Damaging"; Align-GVGD: "Class C0"). Algorithms developed to predict the effect of sequence changes on RNA splicing suggest that this variant may create or strengthen a splice site, but this prediction has not been confirmed by published transcriptional studies. In summary, the available evidence is currently insufficient to determine the role of this variant in disease. Therefore, it has been classified as a Variant of Uncertain Significance.

NM_001003800.2(BICD2):c.1637A>G (p.Asn546Ser)

Gene: BICD2 (BICD cargo adaptor 2; minus strand). Cytogenetic location: 9q22.31.
Variant type: single nucleotide variant.
Coding change: c.1637A>G on transcript NM_001003800.2 (MANE Select); coding-DNA position 1637, A replaced by G.
Protein change: p.Asn546Ser; replaces asparagine 546 with serine.
Molecular consequence: missense variant.
Genome position (GRCh38, 1-based): chr9:92,719,008, T>C on the plus strand (A>G on the coding strand, the complement: BICD2 is on the minus strand). VCF-style: chr9-92719008-T-C. GRCh37 (hg19) VCF-style: chr9-95481290-T-C.
Other names: c.1637A>G, p.Asn546Ser (NM_015250.4); short protein forms N546S.
Identifiers: ClinVar variation 579488 (VCV000579488.9), dbSNP rs1370503586, ClinGen allele CA374036604.